The following is an entry in ClinVar:

NM_005263.5(GFI1):c.383C>A (p.Ala128Glu)

Gene: GFI1 (growth factor independent 1 transcriptional repressor; minus strand). Cytogenetic location: 1p22.1.
Variant type: single nucleotide variant.
Coding change: c.383C>A on transcript NM_005263.5 (MANE Select); coding-DNA position 383, C replaced by A.
Protein change: p.Ala128Glu; replaces alanine 128 with glutamic acid.
Molecular consequence: missense variant.
Genome position (GRCh38, 1-based): chr1:92,481,004, G>T on the plus strand (C>A on the coding strand, the complement: GFI1 is on the minus strand). VCF-style: chr1-92481004-G-T. GRCh37 (hg19) VCF-style: chr1-92946561-G-T.
Other names: c.383C>A, p.Ala128Glu (NM_001127215.3, NM_001127216.3); short protein forms A128E.
Identifiers: ClinVar variation 1337089 (VCV001337089.11), dbSNP rs371451553, ClinGen allele CA341149948.

ClinVar aggregate classification (germline): Uncertain significance. Review status: criteria provided, multiple submitters, no conflicts (2 of 4 stars). 4 submissions from 4 submitters: Uncertain significance (4). Last evaluated 2026-02-03.

Conditions:
Neutropenia, severe congenital, 2, autosomal dominant. Identifiers: Orphanet 486, MedGen C2751288, MONDO:0013139, OMIM 613107.
GFI1-related disorder. Also called: GFI1-related condition.

Allele frequency attached by ClinVar (database versions not stated): gnomAD 0.00001.

Submissions (4):

PreventionGenetics, part of Exact Sciences
Classification: Uncertain significance for GFI1-related condition. Last evaluated: 2026-02-03. Review status: criteria provided, single submitter. Criteria: ACMG Guidelines, 2015. Collection method: clinical testing. Allele origin: germline.
Comment: The GFI1 c.383C>A variant is predicted to result in the amino acid substitution p.Ala128Glu. To our knowledge, this variant has not been reported in the literature. This variant is reported in 0.0043% of alleles in individuals of African descent in gnomAD. At this time, the clinical significance of this variant is uncertain due to the absence of conclusive functional and genetic evidence.

Labcorp Genetics (formerly Invitae), Labcorp
Classification: Uncertain significance for Neutropenia, severe congenital, 2, autosomal dominant. Last evaluated: 2026-01-20. Review status: criteria provided, single submitter. Criteria: Invitae Variant Classification Sherloc (09022015). Collection method: clinical testing. Allele origin: germline.
Comment: This sequence change replaces alanine, which is neutral and non-polar, with glutamic acid, which is acidic and polar, at codon 128 of the GFI1 protein (p.Ala128Glu). This variant is present in population databases (no rsID available, gnomAD 0.004%). This variant has not been reported in the literature in individuals affected with GFI1-related conditions. ClinVar contains an entry for this variant (Variation ID: 1337089). Invitae Evidence Modeling of protein sequence and biophysical properties (such as structural, functional, and spatial information, amino acid conservation, physicochemical variation, residue mobility, and thermodynamic stability) indicates that this missense variant is not expected to disrupt GFI1 protein function with a negative predictive value of 80%. In summary, the available evidence is currently insufficient to determine the role of this variant in disease. Therefore, it has been classified as a Variant of Uncertain Significance.

Ambry Genetics
Classification: Uncertain significance. Last evaluated: 2025-08-20. Review status: criteria provided, single submitter. Criteria: Ambry Variant Classification Scheme 2023. Collection method: clinical testing. Allele origin: germline.

Genetic Services Laboratory, University of Chicago
Classification: Uncertain significance. Last evaluated: 2019-03-28. Review status: criteria provided, single submitter. Criteria: ACMG Guidelines, 2015. Collection method: clinical testing. Allele origin: germline. Affected: no.